The following is an entry in ClinVar:

ClinVar aggregate classification (germline): Likely pathogenic (1 of 4 stars; one submission).

Conditions:
Ataxia-telangiectasia syndrome (AT). Also called: ATAXIA-TELANGIECTASIA, COMPLEMENTATION GROUP A; Ataxia telangiectasia (A-T); Cerebello-oculocutaneous telangiectasia; Immunodeficiency with ataxia telangiectasia; LOUIS-BAR SYNDROME; ATAXIA-TELANGIECTASIA, FRESNO VARIANT. Identifiers: Orphanet 100, MedGen C0004135, MONDO:0008840, OMIM 208900.

Submission:

Labcorp Genetics (formerly Invitae), Labcorp
Classification: Likely pathogenic for Ataxia-telangiectasia syndrome. Last evaluated: 2022-12-16. Review status: criteria provided, single submitter. Criteria: Invitae Variant Classification Sherloc (09022015). Collection method: clinical testing. Allele origin: germline.
Comment: This variant has not been reported in the literature in individuals affected with ATM-related conditions. In summary, the currently available evidence indicates that the variant is pathogenic, but additional data are needed to prove that conclusively. Therefore, this variant has been classified as Likely Pathogenic. Algorithms developed to predict the effect of sequence changes on RNA splicing suggest that this variant may disrupt the consensus splice site. This variant is not present in population databases (gnomAD no frequency). This sequence change affects a donor splice site in intron 30 of the ATM gene. It is expected to disrupt RNA splicing. Variants that disrupt the donor or acceptor splice site typically lead to a loss of protein function (PMID: 16199547), and loss-of-function variants in ATM are known to be pathogenic (PMID: 23807571, 25614872).

Literature cited by the submitters: PubMed 16199547; PubMed 23807571; PubMed 25614872.

NM_000051.4(ATM):c.4611+1G>T

Gene: ATM (ATM serine/threonine kinase; plus strand). Cytogenetic location: 11q22.3.
Variant type: single nucleotide variant.
Coding change: c.4611+1G>T on transcript NM_000051.4 (MANE Select); the canonical splice donor site of the intron after coding-DNA position 4611, G replaced by T.
Molecular consequence: splice donor variant.
Genome position (GRCh38, 1-based): chr11:108,292,794, G>T. VCF-style: chr11-108292794-G-T. GRCh37 (hg19) VCF-style: chr11-108163521-G-T.
Other names: c.4611+1G>T (NM_001351834.2).
Identifiers: ClinVar variation 2821420 (VCV002821420.3), dbSNP rs1565461840, ClinGen allele CA382534114.